The following is an entry in ClinVar:

ClinVar aggregate classification (germline): Pathogenic (1 of 4 stars; one submission).

Conditions:
Recessive dystrophic epidermolysis bullosa (RDEB). Also called: Epidermolysis Bullosa Distrophica Autosomal Recessive (RDEB); Recessive DEB (RDEB); DYSTROPHIC EPIDERMOLYSIS BULLOSA, AUTOSOMAL RECESSIVE; EPIDERMOLYSIS BULLOSA DYSTROPHICA, HALLOPEAU-SIEMENS TYPE; severe generalized recessive dystrophic epidermolysis bullosa; epidermolysis bullosa dystrophica, autosomal recessive. Identifiers: Orphanet 79408, Orphanet 79409, MedGen C0079474, MONDO:0009179, OMIM 226600.

Submission:

Myriad Genetics, Inc.
Classification: Pathogenic for Recessive dystrophic epidermolysis bullosa. Last evaluated: 2026-06-25. Review status: criteria provided, single submitter. Criteria: Myriad Autosomal Dominant, Autosomal Recessive and X-Linked Classification Criteria (2023). Collection method: clinical testing. Allele origin: unknown.
Comment: NM_000094.3(COL7A1):c.111_150dup40(R51*) is a nonsense variant classified as pathogenic in the context of dystrophic epidermolysis bullosa. R51* has not been observed in cases with relevant disease. Relevant functional assessments of this variant are not available in the literature. R51* has not been observed in referenced population frequency databases. In summary, NM_000094.3(COL7A1):c.111_150dup40(R51*) is a nonsense variant in a gene where loss of function is a known mechanism of disease and is predicted to disrupt protein function. Please note: this variant was assessed in the context of healthy population screening.

NM_000094.4(COL7A1):c.111_150dup (p.Arg51Ter)

Gene: COL7A1 (collagen type VII alpha 1 chain; minus strand). Cytogenetic location: 3p21.31.
Variant type: Duplication.
Coding change: c.111_150dup on transcript NM_000094.4 (MANE Select); coding-DNA positions 111 to 150, 40 bases duplicated.
Protein change: p.Arg51Ter; replaces arginine 51 with a stop codon.
Molecular consequence: nonsense.
Genome position (GRCh38, 1-based): chr3:48,594,484-48,594,523, 40 bases duplicated; duplicating any 40 consecutive bases within chr3:48,594,484-48,594,525 gives the same sequence; the c. name uses the placement nearest the transcript's 3' end. GRCh37 (hg19): chr3:48,631,919-48,631,958.
Other names: short protein forms R51*.
Identifiers: ClinVar variation 5004755 (VCV005004755.1).
Genomic context (GRCh38, chr3:48,594,483, plus strand): 5'-CTCCAGAGAAAGGCAGCACCAGCCCTTCGAGAAAGCTGCGGACCTCGCGGAAATTGCTGC[G>GGCCAATGGATGAGGAGCCATCCAGTAAGAACACAATGTCA]GCCAATGGATGAGGAGCCATCCAGTAAGAACACAATGTCAGCGGCGTAAAGGCGCGTGCA-3'